The following is an entry in ClinVar:

NM_000090.4(COL3A1):c.3256-44A>G

Gene: COL3A1 (collagen type III alpha 1 chain; plus strand). Cytogenetic location: 2q32.2.
Variant type: single nucleotide variant.
Coding change: c.3256-44A>G on transcript NM_000090.4 (MANE Select); 44 bases into the intron before coding-DNA position 3256, A replaced by G.
Molecular consequence: intron variant.
Genome position (GRCh38, 1-based): chr2:189,007,456, A>G. VCF-style: chr2-189007456-A-G. GRCh37 (hg19) VCF-style: chr2-189872182-A-G.
Identifiers: ClinVar variation 3071667 (VCV003071667.1), dbSNP rs2469161478, ClinGen allele CA2825001058.

ClinVar aggregate classification (germline): Likely benign (1 of 4 stars; one submission).

Conditions:
Ehlers-Danlos syndrome, type 4 (EDSVASC). Also called: Ehlers-Danlos Syndrome Type IV; Ehlers-Danlos syndrome vascular type; Ehlers Danlos syndrome, ecchymotic type; Ehlers Danlos syndrome, arterial type; Ehlers Danlos syndrome, Sack-Barabas type. Identifiers: Orphanet 286, MedGen C0268338, MONDO:0017314, OMIM 130050.

Submission:

All of Us Research Program, National Institutes of Health
Classification: Likely benign for Ehlers-Danlos syndrome, type 4. Last evaluated: 2023-06-08. Review status: criteria provided, single submitter. Criteria: ACMG Guidelines, 2015. Collection method: clinical testing. Allele origin: germline. Inheritance: Autosomal dominant inheritance. Observed: 1 variant allele, 1 heterozygote.
Comment: This study involves interpretation of variants in research participants for the purpose of population health screening. Participant phenotype was not available at the time of variant classification. Additional details can be found in publication PMID: 35346344, PMCID: PMC8962531